The following is an entry in ClinVar:

ClinVar aggregate classification (germline): Uncertain significance (1 of 4 stars; one submission).

Conditions:
Hypertrophic cardiomyopathy. Also called: HYPERTROPHIC MYOCARDIOPATHY. Identifiers: Orphanet 217569, MedGen C0007194, MeSH D002312, MONDO:0005045, HP:0001639.

gnomAD v4.1: 5 of 1,612,262 alleles (0.00031%); highest among the groups gnomAD compares: Non-Finnish European, 0.00042%; no homozygotes.

Submission:

Labcorp Genetics (formerly Invitae), Labcorp
Classification: Uncertain significance for Hypertrophic cardiomyopathy. Last evaluated: 2025-03-18. Review status: criteria provided, single submitter. Criteria: Invitae Variant Classification Sherloc (09022015). Collection method: clinical testing. Allele origin: germline.
Comment: This sequence change replaces glycine, which is neutral and non-polar, with valine, which is neutral and non-polar, at codon 478 of the MYOM1 protein (p.Gly478Val). This variant is not present in population databases (gnomAD no frequency). This variant has not been reported in the literature in individuals affected with MYOM1-related conditions. ClinVar contains an entry for this variant (Variation ID: 1399656). Invitae Evidence Modeling of protein sequence and biophysical properties (such as structural, functional, and spatial information, amino acid conservation, physicochemical variation, residue mobility, and thermodynamic stability) indicates that this missense variant is expected to disrupt MYOM1 protein function with a positive predictive value of 80%. In summary, the available evidence is currently insufficient to determine the role of this variant in disease. Therefore, it has been classified as a Variant of Uncertain Significance.

NM_003803.4(MYOM1):c.1433G>T (p.Gly478Val)

Gene: MYOM1 (myomesin 1; minus strand). Cytogenetic location: 18p11.31.
Variant type: single nucleotide variant.
Coding change: c.1433G>T on transcript NM_003803.4 (MANE Select); coding-DNA position 1433, G replaced by T.
Protein change: p.Gly478Val; replaces glycine 478 with valine.
Molecular consequence: missense variant.
Genome position (GRCh38, 1-based): chr18:3,164,346, C>A on the plus strand (G>T on the coding strand, the complement: MYOM1 is on the minus strand). VCF-style: chr18-3164346-C-A. GRCh37 (hg19) VCF-style: chr18-3164344-C-A.
Other names: c.1433G>T, p.Gly478Val (NM_019856.2); short protein forms G478V.
Identifiers: ClinVar variation 1399656 (VCV001399656.8), dbSNP rs1306648993, ClinGen allele CA401714883.